The following is an entry in ClinVar:

NM_000301.5(PLG):c.781C>T (p.Arg261Cys)

Gene: PLG (plasminogen; plus strand). Cytogenetic location: 6q26.
Variant type: single nucleotide variant.
Coding change: c.781C>T on transcript NM_000301.5 (MANE Select); coding-DNA position 781, C replaced by T.
Protein change: p.Arg261Cys; replaces arginine 261 with cysteine.
Molecular consequence: missense variant.
Genome position (GRCh38, 1-based): chr6:160,716,757, C>T. VCF-style: chr6-160716757-C-T. GRCh37 (hg19) VCF-style: chr6-161137789-C-T.
Other names: short protein forms R261C.
Identifiers: ClinVar variation 2734964 (VCV002734964.6), dbSNP rs763808748, ClinGen allele CA4087566.
Genomic context (GRCh38, chr6:160,716,757, plus strand): 5'-CTGCGGCCTTGGTGTTTCACCACCGACCCCAACAAGCGCTGGGAACTTTGTGACATCCCC[C>T]GCTGCAGTGAGTATGATGCACACCCAGATTCCAGGATTTGGACCTGCCCTGTTCTTGAAA-3'
Protein context (NP_000292.1, residues 251-271): NKRWELCDIP[Arg261Cys]CTTPPPSSGP

ClinVar aggregate classification (germline): Uncertain significance. Review status: criteria provided, multiple submitters, no conflicts (2 of 4 stars). 3 submissions from 3 submitters: Uncertain significance (3). Last evaluated 2026-01-07.

Conditions:
Angioedema, hereditary, 4. Identifiers: MedGen C5543503, MONDO:0025712, OMIM 619360.
Plasminogen deficiency, type I. Also called: Hypoplasminogenemia; Type 1 plasminogen deficiency. Identifiers: Orphanet 722, MedGen C1968804, MONDO:0009009, OMIM 217090.

Allele frequency attached by ClinVar (database versions not stated): gnomAD exomes 0.00003; TOPMed 0.00002; gnomAD 0.00001; ExAC 0.00006.

Submissions (3):

Labcorp Genetics (formerly Invitae), Labcorp
Classification: Uncertain significance. Last evaluated: 2026-01-07. Review status: criteria provided, single submitter. Criteria: Invitae Variant Classification Sherloc (09022015). Collection method: clinical testing. Allele origin: germline.
Comment: This sequence change replaces arginine, which is basic and polar, with cysteine, which is neutral and slightly polar, at codon 261 of the PLG protein (p.Arg261Cys). This variant is present in population databases (rs763808748, gnomAD 0.01%). This missense change has been observed in individual(s) with plasminogen deficiency and thrombosis (PMID: 27976734). ClinVar contains an entry for this variant (Variation ID: 2734964). Invitae Evidence Modeling of protein sequence and biophysical properties (such as structural, functional, and spatial information, amino acid conservation, physicochemical variation, residue mobility, and thermodynamic stability) indicates that this missense variant is not expected to disrupt PLG protein function with a negative predictive value of 80%. In summary, the available evidence is currently insufficient to determine the role of this variant in disease. Therefore, it has been classified as a Variant of Uncertain Significance.

Fulgent Genetics
Classification: Uncertain significance for Plasminogen deficiency, type I; Angioedema, hereditary, 4. Last evaluated: 2024-06-21. Review status: criteria provided, single submitter. Criteria: ACMG Guidelines, 2015. Collection method: clinical testing. Allele origin: germline.

Women's Health and Genetics/Laboratory Corporation of America, LabCorp
Classification: Uncertain significance. Last evaluated: 2024-03-07. Review status: criteria provided, single submitter. Criteria: LabCorp Variant Classification Summary - May 2015. Collection method: clinical testing. Allele origin: germline.
Comment: Variant summary: PLG c.781C>T (p.Arg261Cys) results in a non-conservative amino acid change located in the Kringle domain (IPR000001) of the encoded protein sequence. Five of five in-silico tools predict a damaging effect of the variant on protein function. The variant allele was found at a frequency of 3.6e-05 in 251292 control chromosomes. The available data on variant occurrences in the general population are insufficient to allow any conclusion about variant significance. c.781C>T has been reported in the literature in a family of heterozygous individuals affected with Plasminogen Deficiency (e.g. Martin-Fernandez_2016). Theis report does not provide unequivocal conclusions about association of the variant with Plasminogen Deficiency. To our knowledge, no experimental evidence demonstrating an impact on protein function has been reported. The following publication has been ascertained in the context of this evaluation (PMID: 27976734). ClinVar contains an entry for this variant (Variation ID: 2734964). Based on the evidence outlined above, the variant was classified as uncertain significance.

Literature cited by the submitters: PubMed 27976734 (cited by Labcorp Genetics (formerly Invitae), Labcorp and Women's Health and Genetics/Laboratory Corporation of America, LabCorp).